The following is an entry in ClinVar:

NM_001005273.3(CHD3):c.5662C>T (p.Arg1888Ter)

Gene: CHD3 (chromodomain helicase DNA binding protein 3; plus strand). Cytogenetic location: 17p13.1.
Variant type: single nucleotide variant.
Coding change: c.5662C>T on transcript NM_001005273.3 (MANE Select); coding-DNA position 5662, C replaced by T.
Protein change: p.Arg1888Ter; replaces arginine 1888 with a stop codon.
Molecular consequence: nonsense.
Genome position (GRCh38, 1-based): chr17:7,910,499, C>T. VCF-style: chr17-7910499-C-T. GRCh37 (hg19) VCF-style: chr17-7813817-C-T.
Other names: c.5839C>T, p.Arg1947Ter (NM_001005271.3); c.5560C>T, p.Arg1854Ter (NM_005852.4); short protein forms R1947*, R1854*, R1888*.
Identifiers: ClinVar variation 3491953 (VCV003491953.1).

ClinVar aggregate classification (germline): Pathogenic (1 of 4 stars; one submission).

Conditions:
Inborn genetic diseases. Identifiers: MedGen C0950123, MeSH D030342.

Submission:

Ambry Genetics
Classification: Pathogenic for Inborn genetic diseases. Last evaluated: 2024-10-31. Review status: criteria provided, single submitter. Criteria: Ambry Variant Classification Scheme 2023. Collection method: clinical testing. Allele origin: germline.
Comment: The c.5839C>T (p.R1947*) alteration, located in exon 38 (coding exon 38) of the CHD3 gene, consists of a C to T substitution at nucleotide position 5839. This changes the amino acid from an arginine (R) to a stop codon at amino acid position 1947. This alteration is expected to result in loss of function by premature protein truncation or nonsense-mediated mRNA decay. This variant was not reported in population-based cohorts in the Genome Aggregation Database (gnomAD). Based on the available evidence, this alteration is classified as pathogenic.